The following is an entry in ClinVar:

NM_000202.8(IDS):c.529G>T (p.Glu177Ter)

Genes: IDS (iduronate 2-sulfatase; minus strand), LOC106050102 (IDS recombination region; plus strand). Cytogenetic location: Xq28.
Variant type: single nucleotide variant.
Coding change: c.529G>T on transcript NM_000202.8 (MANE Select); coding-DNA position 529, G replaced by T.
Protein change: p.Glu177Ter; replaces glutamic acid 177 with a stop codon.
Molecular consequence: nonsense. On other transcripts: non-coding transcript variant (1).
Genome position (GRCh38, 1-based): chrX:149,498,286, C>A on the plus strand (G>T on the coding strand, the complement: IDS is on the minus strand). VCF-style: chrX-149498286-C-A. GRCh37 (hg19) VCF-style: chrX-148579817-C-A.
Other names: c.259G>T, p.Glu87Ter (NM_001166550.4); c.529G>T, p.Glu177Ter (NM_006123.5); short protein forms E177*, E87*.
Identifiers: ClinVar variation 3255761 (VCV003255761.2).

ClinVar aggregate classification (germline): Pathogenic (1 of 4 stars; one submission).

Conditions:
Mucopolysaccharidosis, MPS-II (MPS2). Also called: Hunter Syndrome; IDURONATE 2-SULFATASE DEFICIENCY; Mucopolysaccharidosis Type II; Mucopolysaccharidosis type 2; Attenuated MPS (subtype; formerly known as mild MPS II); Severe MPS II. Identifiers: Orphanet 580, Orphanet 79388, MedGen C0026705, MONDO:0010674, OMIM 309900.

Submission:

Laboratory of Diagnosis and Therapy of Lysosomal Disorders, University of Padova
Classification: Pathogenic for Mucopolysaccharidosis, MPS-II. Last evaluated: 2024-06-07. Review status: criteria provided, single submitter. Criteria: ACMG Guidelines, 2015. Collection method: literature only. Allele origin: germline. Affected: yes. Observed: 1 variant allele.
Comment: Null variant (PVS1_VeryStrong), Absent from controls (or at low frequency) in gnomAD database (PM2_Moderate), Patient’s phenotype or family history highly specific for the disease (PP4_Moderate)

Classification method: ACMG Guidelines [PMID:25741868] with modifications

Literature cited by the submitters: PubMed 12655569; PubMed 21291454.